The following is an entry in ClinVar:

ClinVar aggregate classification (germline): Uncertain significance. Review status: criteria provided, multiple submitters, no conflicts (2 of 4 stars). 2 submissions from 2 submitters: Uncertain significance (2). Last evaluated 2023-04-05.

Conditions:
Lower motor neuron syndrome with late-adult onset (SMAJ). Also called: Spinal muscular atrophy, Jokela type; Late-Onset Spinal Motor Neuronopathy (SMAJ). Identifiers: Orphanet 276435, MedGen C3554398, MONDO:0014025, OMIM 615048.
Frontotemporal dementia and/or amyotrophic lateral sclerosis 2. Also called: FTDALS2. Identifiers: Orphanet 275872, MedGen C4014648, MONDO:0014395, OMIM 615911.
Autosomal dominant mitochondrial myopathy with exercise intolerance (IMMD). Also called: Myopathy, isolated mitochondrial, autosomal dominant. Identifiers: Orphanet 457050, MedGen C4015513, MONDO:0014532, OMIM 616209.

Allele frequency attached by ClinVar (database versions not stated): gnomAD exomes below 0.00001; gnomAD 0.00001; TOPMed 0.00001.
gnomAD v4.1: 6 of 1,245,120 alleles (0.00048%); highest among the groups gnomAD compares: Non-Finnish European, 0.00062%; no homozygotes.

Submissions (2):

Labcorp Genetics (formerly Invitae), Labcorp
Classification: Uncertain significance for Lower motor neuron syndrome with late-adult onset; Frontotemporal dementia and/or amyotrophic lateral sclerosis 2; Autosomal dominant mitochondrial myopathy with exercise intolerance. Last evaluated: 2023-04-05. Review status: criteria provided, single submitter. Criteria: Invitae Variant Classification Sherloc (09022015). Collection method: clinical testing. Allele origin: germline.
Comment: In summary, the available evidence is currently insufficient to determine the role of this variant in disease. Therefore, it has been classified as a Variant of Uncertain Significance. This sequence change replaces proline, which is neutral and non-polar, with serine, which is neutral and polar, at codon 16 of the CHCHD10 protein (p.Pro16Ser). This variant is not present in population databases (gnomAD no frequency). This variant has not been reported in the literature in individuals affected with CHCHD10-related conditions. ClinVar contains an entry for this variant (Variation ID: 1678615). Algorithms developed to predict the effect of missense changes on protein structure and function output the following: SIFT: "Not Available"; PolyPhen-2: "Not Available"; Align-GVGD: "Not Available". The serine amino acid residue is found in multiple mammalian species, which suggests that this missense change does not adversely affect protein function.

Molecular Genetics, Royal Melbourne Hospital
Classification: Uncertain significance for Frontotemporal dementia and/or amyotrophic lateral sclerosis 2. Last evaluated: 2020-06-26. Review status: criteria provided, single submitter. Criteria: ACMG Guidelines, 2015. Collection method: clinical testing. Allele origin: germline. Affected: yes.
Comment: This sequence change is predicted to replace proline with serine at codon 16 of the CHCHD10 protein (p.Pro16Ser). The proline residue is not conserved (100 vertebrates, UCSC), and is located in the mitochondrion transit peptide. There is a moderate physicochemical difference between proline and serine. The variant is present in a single heterozygote in a large population cohort (PM2; 1/143,190 alleles gnomAD v3), and has not been reported in the relevant medical literature or databases. Multiple lines of computational evidence predict a benign effect for the missense substitution (BP4; 7/7 algorithms). Based on the classification scheme RMH ACMG Guidelines v1.2.1, this variant is classified as VARIANT OF UNCERTAIN SIGNIFICANCE. Following criteria are met: PM2, BP4.

NM_213720.3(CHCHD10):c.46C>T (p.Pro16Ser)

Gene: CHCHD10 (coiled-coil-helix-coiled-coil-helix domain containing 10; minus strand). Cytogenetic location: 22q11.23.
Variant type: single nucleotide variant.
Coding change: c.46C>T on transcript NM_213720.3 (MANE Select); coding-DNA position 46, C replaced by T.
Protein change: p.Pro16Ser; replaces proline 16 with serine.
Molecular consequence: missense variant.
Genome position (GRCh38, 1-based): chr22:23,767,589, G>A on the plus strand (C>T on the coding strand, the complement: CHCHD10 is on the minus strand). VCF-style: chr22-23767589-G-A. GRCh37 (hg19) VCF-style: chr22-24109776-G-A.
Other names: c.46C>T, p.Pro16Ser (NM_001301339.2); short protein forms P16S.
Identifiers: ClinVar variation 1678615 (VCV001678615.5), dbSNP rs927168789, ClinGen allele CA322574082.